The following is an entry in ClinVar:

NM_020937.4(FANCM):c.4928C>T (p.Thr1643Ile)

Gene: FANCM (FA complementation group M; plus strand). Cytogenetic location: 14q21.2.
Variant type: single nucleotide variant.
Coding change: c.4928C>T on transcript NM_020937.4 (MANE Select); coding-DNA position 4928, C replaced by T.
Protein change: p.Thr1643Ile; replaces threonine 1643 with isoleucine.
Molecular consequence: missense variant.
Genome position (GRCh38, 1-based): chr14:45,188,950, C>T. VCF-style: chr14-45188950-C-T. GRCh37 (hg19) VCF-style: chr14-45658153-C-T.
Other names: c.4850C>T, p.Thr1617Ile (NM_001308133.2); short protein forms T1617I, T1643I.
Identifiers: ClinVar variation 858260 (VCV000858260.9), dbSNP rs762187580, ClinGen allele CA7169874.

ClinVar aggregate classification (germline): Uncertain significance (1 of 4 stars; one submission).

Conditions:
Fanconi anemia (FA). Also called: Fanconi's anemia. Identifiers: Orphanet 84, MedGen C0015625, MeSH D005199, MONDO:0019391.

Allele frequency attached by ClinVar (database versions not stated): gnomAD exomes below 0.00001; gnomAD 0.00001; ExAC 0.00002.
gnomAD v4.1: 2 of 1,613,772 alleles (0.00012%); highest among the groups gnomAD compares: African/African-American, 0.0013%; no homozygotes.

Submission:

Labcorp Genetics (formerly Invitae), Labcorp
Classification: Uncertain significance for Fanconi anemia. Last evaluated: 2021-04-26. Review status: criteria provided, single submitter. Criteria: Invitae Variant Classification Sherloc (09022015). Collection method: clinical testing. Allele origin: germline.
Comment: In summary, the available evidence is currently insufficient to determine the role of this variant in disease. Therefore, it has been classified as a Variant of Uncertain Significance. Algorithms developed to predict the effect of missense changes on protein structure and function are either unavailable or do not agree on the potential impact of this missense change (SIFT: "Deleterious"; PolyPhen-2: "Probably Damaging"; Align-GVGD: "Class C0"). This variant has not been reported in the literature in individuals with FANCM-related conditions. This variant is present in population databases (rs762187580, ExAC 0.003%). This sequence change replaces threonine with isoleucine at codon 1643 of the FANCM protein (p.Thr1643Ile). The threonine residue is highly conserved and there is a moderate physicochemical difference between threonine and isoleucine.